The following is an entry in ClinVar:

ClinVar aggregate classification (germline): Uncertain significance (1 of 4 stars; one submission).

Submission:

CeGaT Center for Human Genetics Tuebingen
Classification: Uncertain significance. Last evaluated: 2025-11-01. Review status: criteria provided, single submitter. Criteria: CeGaT Center For Human Genetics Tuebingen Variant Classification Criteria Version 2. Collection method: clinical testing. Allele origin: germline. Affected: yes. Observed: 2 variant alleles.
Comment: HOXC13: PM2, BP3

NM_017410.3(HOXC13):c.84CGG[7] (p.Gly38_Thr39insGlyGly)

Genes: HOXC13 (homeobox C13; plus strand), HOXC13-AS (HOXC13 antisense RNA; minus strand). Cytogenetic location: 12q13.13.
Variant type: Microsatellite.
Coding change: c.84CGG[7] on transcript NM_017410.3 (MANE Select); seven copies in a row of the 3-base unit CGG starting at c.84; the reference has five copies in a row; two copies, 6 bases duplicated.
Protein change: p.Gly38_Thr39insGlyGly.
Genome position (GRCh38, 1-based): chr12:53,938,999-53,939,004, CGGCGG duplicated; duplicating any 6 consecutive bases within chr12:53,938,990-53,939,004 gives the same sequence; the position shown is the placement nearest the transcript's 3' end. VCF-style (leftmost placement, unchanged base first): chr12-53938989-T-TCGGCGG. GRCh37 (hg19) VCF-style: chr12-54332773-T-TCGGCGG.
Identifiers: ClinVar variation 3771179 (VCV003771179.13).